The following is an entry in ClinVar:

ClinVar aggregate classification (germline): Conflicting classifications of pathogenicity. Review status: criteria provided, conflicting classifications (1 of 4 stars). 32 submissions from 31 submitters: Likely pathogenic (1); Uncertain significance (21); Benign (1); Likely benign (5). 4 of the submissions do not count toward it. Last evaluated 2026-10-01.

Conditions:
Astroblastoma, MN1-altered. Identifiers: MedGen CN372129, MONDO:0850349.
ATM-related disorder. Also called: ATM-related disorders; ATM-related condition.
Hereditary cancer-predisposing syndrome. Also called: Neoplastic Syndromes, Hereditary; Hereditary Cancer Syndrome; Tumor predisposition; Hereditary neoplastic syndrome. Identifiers: Orphanet 140162, MedGen C0027672, MeSH D009386, MONDO:0015356.
Hereditary breast ovarian cancer syndrome. Also called: BRCA1- and BRCA2-Associated Hereditary Breast and Ovarian Cancer; Hereditary breast and ovarian cancer syndrome; Hereditary breast and ovarian cancer syndrome (HBOC); Hereditary breast and/or ovarian cancer syndrome; Hereditary breast and ovarian cancer; Breast and ovarian cancer. Identifiers: Orphanet 145, MedGen C0677776, MeSH D061325, MONDO:0003582. Disease mechanism: loss of function.
Familial cancer of breast. Also called: BREAST CANCER, FAMILIAL; hereditary breast carcinoma; Hereditary breast cancer. Identifiers: Orphanet 227535, MedGen C0346153, MONDO:0016419, OMIM 114480. Disease mechanism: loss of function.
Ataxia-telangiectasia syndrome (AT). Also called: Ataxia-telangiectasia, complementation group D; AT, COMPLEMENTATION GROUP C; Ataxia-telangiectasia; ATAXIA-TELANGIECTASIA, COMPLEMENTATION GROUP A; ATAXIA-TELANGIECTASIA, FRESNO VARIANT; Ataxia-telangiectasia, complementation group E. Identifiers: Orphanet 100, MedGen C0004135, MONDO:0008840, OMIM 208900.

Allele frequency attached by ClinVar (database versions not stated): ESP Exome Variant Server 0.00008; TOPMed 0.00015; gnomAD 0.00018 and 0.00019; gnomAD exomes 0.00016 and 0.00010; ExAC 0.00006.
gnomAD v4.1: 259 of 1,614,206 alleles (0.016%); highest among the groups gnomAD compares: Non-Finnish European, 0.021%; no homozygotes.

Submissions 1 to 10 of 32:

St. Jude Molecular Pathology, St. Jude Children's Research Hospital
Classification: Uncertain significance for Ataxia-telangiectasia syndrome. Last evaluated: 2026-10-01. Review status: criteria provided, single submitter. Criteria: St. Jude Assertion Criteria 2020. Collection method: clinical testing. Allele origin: germline.
Comment: The ATM c.7475T>G (p.Leu2492Arg) missense change has a maximum subpopulation frequency of 0.024% in gnomAD v2.1.1. The in silico tool REVEL predicts a deleterious effect on protein function, but to our knowledge this prediction has not been confirmed by functional studies. This variant has been reported in individuals with many cancer types including breast, colorectal, prostate, pancreatic, and chronic lymphocytic leukemia (PMID: 28135145, 28652578, 30306255, 32606146, 35047863). This variant has been reported in 5 individuals in a database of women older than 70 years of age who have never had cancer (FLOSSIES database). To our knowledge, this variant has not been reported in individuals with ataxia telangiectasia. In summary, the evidence currently available is insufficient to determine the clinical significance of this variant. It has therefore been classified as of uncertain significance.

Institute of Human Genetics, University of Leipzig Medical Center
Classification: Likely benign for Familial cancer of breast. Last evaluated: 2026-07-28. Review status: criteria provided, single submitter. Criteria: ACMG Guidelines, 2015. Collection method: clinical testing. Allele origin: unknown. Inheritance: Autosomal dominant inheritance. Affected: yes.
Comment: Criteria applied: PP3, BS3_MOD

PreventionGenetics, part of Exact Sciences
Classification: Uncertain significance for ATM-related condition. Last evaluated: 2026-07-09. Review status: criteria provided, single submitter. Criteria: ACMG Guidelines, 2015. Collection method: clinical testing. Allele origin: germline.
Comment: The ATM c.7475T>G variant is predicted to result in the amino acid substitution p.Leu2492Arg. This variant has been reported in individuals with breast cancer, ovarian cancer, chronic lymphocytic leukemia, colorectal cancer, lynch syndrome, and glioblastoma multiforme (Table S1, Bernstein et al. 2010. PubMed ID: 20305132; Table S2, Yurgelun et al. 2015. PubMed ID: 25980754; Table S12, Lu et al. 2015. PubMed ID: 26689913; Table S5, Decker et al. 2017. PubMed ID: 28779002; Table S3, Tiao et al. 2017. PubMed ID: 28652578; Table A4, Yurgelun et al. 2017. PubMed ID: 28135145; Table 2, Bonache et al. 2018. PubMed ID: 30306255; Table S1, Koczkowska et al. 2018. PubMed ID: 30441849; Table S5, Tsaousis et al. 2019. PubMed ID: 31159747). This variant is reported in 0.024% of alleles in individuals of European (Non-Finnish) descent in gnomAD. It has conflicting interpretations in ClinVar ranging from benign to likely pathogenic (Variation: 127446). Although we suspect that this variant may be benign, at this time, the clinical significance of this variant is uncertain due to the absence of conclusive functional and genetic evidence.

Labcorp Genetics (formerly Invitae), Labcorp
Classification: Benign for Ataxia-telangiectasia syndrome. Last evaluated: 2026-02-03. Review status: criteria provided, single submitter. Criteria: Invitae Variant Classification Sherloc (09022015). Collection method: clinical testing. Allele origin: germline.

Center for Genomic Medicine, Rigshospitalet, Copenhagen University Hospital
Classification: Uncertain significance. Last evaluated: 2025-12-29. Review status: criteria provided, single submitter. Criteria: ACMG Guidelines, 2015. Collection method: clinical testing. Allele origin: germline.

Women's Health and Genetics/Laboratory Corporation of America, LabCorp
Classification: Likely benign. Last evaluated: 2025-12-26. Review status: criteria provided, single submitter. Criteria: LabCorp Variant Classification Summary - May 2015. Collection method: clinical testing. Allele origin: germline.
Comment: Variant summary: ATM c.7475T>G (p.Leu2492Arg) results in a non-conservative amino acid change located in the PIK-related kinase, FAT domain (IPR003151) of the encoded protein sequence. Algorithms developed to predict the effect of missense changes on protein structure and function all suggest that this variant is likely to be disruptive. The variant allele was found at a frequency of 9.9e-05 in 251282 control chromosomes, predominantly at a frequency of 0.00021 within the Non-Finnish European subpopulation in the gnomAD database. The observed variant frequency within Non-Finnish European control individuals in the gnomAD database exceeds the estimated maximal expected allele frequency for disease-causing variants in ATM. c.7475T>G has been reported in the literature primarily as a VUS in settings of multigene panel testing in individuals affected with breast, prostate, and other cancers and also in healthy controls (e.g. Bernstein_2010, Greenman_2007, Lu_2015, Tiao_2017, Young_2016, Yurgelun_2015, Yurgelun_2017, Bonache_2018, Tsaousis_2019, Holeckova_2020, Krivokuca_2022, Paduano_2022). In addition, the variant was found in 5/7325 European American women, who were older than 70 years of age, and never had cancer (in the FLOSSIES database). These reports do not provide unequivocal conclusions about association of the variant with Breast Cancer. To our knowledge, no experimental evidence demonstrating an impact on protein function has been reported. The following publications have been ascertained in the context of this evaluation (PMID: 20305132, 30306255, 17344846, 32606146, 34284872, 26689913, 35886069, 28652578, 31159747, 26787654, 25980754, 28135145). ClinVar contains an entry for this variant (Variation ID: 127446). Based on the evidence outlined above, the variant was classified as likely benign.

CeGaT Center for Human Genetics Tuebingen
Classification: Uncertain significance. Last evaluated: 2025-10-01. Review status: criteria provided, single submitter. Criteria: CeGaT Center For Human Genetics Tuebingen Variant Classification Criteria Version 2. Collection method: clinical testing. Allele origin: germline. Affected: yes. Observed: 5 variant alleles.
Comment: ATM: PM2

German Consortium for Hereditary Breast and Ovarian Cancer, University Hospital Cologne
Classification: Likely benign for Hereditary breast ovarian cancer syndrome. Last evaluated: 2025-08-12. Review status: criteria provided, single submitter. Criteria: ClinGen ATM V1.3.0. Collection method: curation. Allele origin: germline.
Comment: PP3 not conflicting to BS3!!!; This classification follows the ClinGen ACMG ATM v1.3.0 classification scheme; We chose these criteria: PP3 (supporting pathogenic): REVEL:0.822, BS3 (medium benign): Hanenberg 2025; BS3-mod nach letztem VUS-Taskfoce beschluss wegen Andreassen; reicht 1 mod als "stand alone" für LB?

Catlab - Consorci Sanitari de Terrassa
Classification: Uncertain significance for Hereditary cancer-predisposing syndrome. Last evaluated: 2025-03-31. Review status: criteria provided, single submitter. Criteria: ClinGen HBOP ACMG Specifications ATM Version1_3. Collection method: clinical testing. Allele origin: germline.
Comment: Based on the currently available information, this variant is classified as Variant of Uncertain Significance according to ClinGen-ATM v1.3.0 guidelines. ACMG criteria: PP3.

Athena Diagnostics
Classification: Uncertain significance. Last evaluated: 2025-01-21. Review status: criteria provided, single submitter. Criteria: Athena Diagnostics Criteria. Collection method: clinical testing. Allele origin: unknown.
Comment: Available data are insufficient to determine the clinical significance of the variant at this time. The frequency of this variant in the general population is uninformative in assessment of its pathogenicity.

NM_000051.4(ATM):c.7475T>G (p.Leu2492Arg)

Genes: C11orf65 (chromosome 11 open reading frame 65; minus strand), ATM (ATM serine/threonine kinase; plus strand). Cytogenetic location: 11q22.3.
Variant type: single nucleotide variant.
Coding change: c.7475T>G on transcript NM_000051.4 (MANE Select); coding-DNA position 7475, T replaced by G.
Protein change: p.Leu2492Arg; replaces leucine 2492 with arginine.
Molecular consequence: missense variant. On other transcripts: intron variant (2).
Genome position (GRCh38, 1-based): chr11:108,330,381, T>G. VCF-style: chr11-108330381-T-G. GRCh37 (hg19) VCF-style: chr11-108201108-T-G.
Other names: p.L2492R:CTT>CGT; c.7475T>G, p.Leu2492Arg (NM_001351834.2); c.641-21310A>C (NM_001330368.2); c.*38+4839A>C (NM_001351110.2); short protein forms L2492R.
Identifiers: ClinVar variation 127446 (VCV000127446.100), dbSNP rs56399857, ClinGen allele CA286990.